The following is an entry in ClinVar:

ClinVar aggregate classification (germline): Uncertain significance (1 of 4 stars; one submission).

Submission:

GeneDx
Classification: Uncertain significance. Last evaluated: 2016-12-15. Review status: criteria provided, single submitter. Criteria: GeneDx Variant Classification (06012015). Collection method: clinical testing. Allele origin: germline. Affected: yes.
Comment: A novel variant of uncertain significance has been identified in the MED12 gene. The V1223I variant has not beenpublished as a pathogenic variant, nor has it been reported as a benign variant to our knowledge.It was not observedin approximately 6,300 individuals of European and African American ancestry in the NHLBI Exome SequencingProject, indicating it is not a common benign variant in these populations. This substitution occurs at a position thatis conserved across species. However, V1223I is a conservative amino acid substitution, which is not likely to impactsecondary protein structure as these residues share similar properties. In addition, in silico analysis is inconsistent inits predictions as to whether or not the variant is damaging to the protein structure/function.Therefore, based on the currently available information, it is unclear whether this variant is pathogenic or rare benign.This result cannot be interpreted for diagnosis or used for family member screening at this time.

NM_005120.3(MED12):c.3667G>A (p.Val1223Ile)

Gene: MED12 (mediator complex subunit 12; plus strand). Cytogenetic location: Xq13.1.
Variant type: single nucleotide variant.
Coding change: c.3667G>A on transcript NM_005120.3 (MANE Select); coding-DNA position 3667, G replaced by A.
Protein change: p.Val1223Ile; replaces valine 1223 with isoleucine.
Molecular consequence: missense variant.
Genome position (GRCh38, 1-based): chrX:71,129,405, G>A. VCF-style: chrX-71129405-G-A. GRCh37 (hg19) VCF-style: chrX-70349255-G-A.
Other names: short protein forms V1223I.
Identifiers: ClinVar variation 391739 (VCV000391739.2), dbSNP rs1057524217, ClinGen allele CA16608916.